The following is an entry in ClinVar:

NM_000632.4(ITGAM):c.3191T>G (p.Leu1064Arg)

Gene: ITGAM (integrin subunit alpha M; plus strand). Cytogenetic location: 16p11.2.
Variant type: single nucleotide variant.
Coding change: c.3191T>G on transcript NM_000632.4 (MANE Select); coding-DNA position 3191, T replaced by G.
Protein change: p.Leu1064Arg; replaces leucine 1064 with arginine.
Molecular consequence: missense variant.
Genome position (GRCh38, 1-based): chr16:31,330,520, T>G. VCF-style: chr16-31330520-T-G. GRCh37 (hg19) VCF-style: chr16-31341841-T-G.
Other names: c.3194T>G, p.Leu1065Arg (NM_001145808.2); short protein forms L1065R, L1064R.
Identifiers: ClinVar variation 2979604 (VCV002979604.3), dbSNP rs2080566671, ClinGen allele CA395702876.

ClinVar aggregate classification (germline): Uncertain significance (1 of 4 stars; one submission).

Allele frequency attached by ClinVar (database versions not stated): gnomAD exomes below 0.00001.
gnomAD v4.1: 1 of 1,613,706 alleles (0.000062%); highest among the groups gnomAD compares: East Asian, 0.0022%; no homozygotes.

Submission:

Labcorp Genetics (formerly Invitae), Labcorp
Classification: Uncertain significance. Last evaluated: 2023-09-27. Review status: criteria provided, single submitter. Criteria: Invitae Variant Classification Sherloc (09022015). Collection method: clinical testing. Allele origin: germline.
Comment: This sequence change replaces leucine, which is neutral and non-polar, with arginine, which is basic and polar, at codon 1064 of the ITGAM protein (p.Leu1064Arg). This variant is not present in population databases (gnomAD no frequency). This variant has not been reported in the literature in individuals affected with ITGAM-related conditions. An algorithm developed to predict the effect of missense changes on protein structure and function (PolyPhen-2) suggests that this variant is likely to be disruptive. In summary, the available evidence is currently insufficient to determine the role of this variant in disease. Therefore, it has been classified as a Variant of Uncertain Significance.